The following is an entry in ClinVar:

NM_001378778.1(MPDZ):c.6017G>C (p.Gly2006Ala)

Gene: MPDZ (multiple PDZ domain crumbs cell polarity complex component; minus strand). Cytogenetic location: 9p23.
Variant type: single nucleotide variant.
Coding change: c.6017G>C on transcript NM_001378778.1 (MANE Select); coding-DNA position 6017, G replaced by C.
Protein change: p.Gly2006Ala; replaces glycine 2006 with alanine.
Molecular consequence: missense variant.
Genome position (GRCh38, 1-based): chr9:13,108,985, C>G on the plus strand (G>C on the coding strand, the complement: MPDZ is on the minus strand). VCF-style: chr9-13108985-C-G. GRCh37 (hg19) VCF-style: chr9-13108984-C-G.
Other names: c.5918G>C, p.Gly1973Ala (NM_001261406.2, NM_001375416.1, NM_001375417.1 and 1 more transcripts); c.5831G>C, p.Gly1944Ala (NM_001261407.2, NM_001375419.1); c.6017G>C, p.Gly2006Ala (NM_001330637.2); c.6116G>C, p.Gly2039Ala (NM_001375413.1); c.5807G>C, p.Gly1936Ala (NM_001375420.1, NM_001375421.1, NM_001375422.1 and 2 more transcripts); c.5720G>C, p.Gly1907Ala (NM_001375425.1, NM_001375426.1); c.5609G>C, p.Gly1870Ala (NM_001375427.1); c.5930G>C, p.Gly1977Ala (NM_003829.5); short protein forms G1870A, G1973A, G1977A, G2006A, G1907A, G1936A, G1944A, G2039A.
Identifiers: ClinVar variation 1499836 (VCV001499836.8), dbSNP rs185422539, ClinGen allele CA372938944.

ClinVar aggregate classification (germline): Uncertain significance (1 of 4 stars; one submission).

Submission:

Labcorp Genetics (formerly Invitae), Labcorp
Classification: Uncertain significance. Last evaluated: 2021-03-30. Review status: criteria provided, single submitter. Criteria: Invitae Variant Classification Sherloc (09022015). Collection method: clinical testing. Allele origin: germline.
Comment: In summary, the available evidence is currently insufficient to determine the role of this variant in disease. Therefore, it has been classified as a Variant of Uncertain Significance. Algorithms developed to predict the effect of missense changes on protein structure and function are either unavailable or do not agree on the potential impact of this missense change (SIFT: "Deleterious"; PolyPhen-2: "Possibly Damaging"; Align-GVGD: "Class C0"). This variant has not been reported in the literature in individuals with MPDZ-related conditions. This variant is not present in population databases (ExAC no frequency). This sequence change replaces glycine with alanine at codon 1977 of the MPDZ protein (p.Gly1977Ala). The glycine residue is highly conserved and there is a small physicochemical difference between glycine and alanine.